The following is an entry in ClinVar:

NM_001040142.2(SCN2A):c.5134A>G (p.Thr1712Ala)

Gene: SCN2A (sodium voltage-gated channel alpha subunit 2; plus strand). Cytogenetic location: 2q24.3.
Variant type: single nucleotide variant.
Coding change: c.5134A>G on transcript NM_001040142.2 (MANE Select); coding-DNA position 5134, A replaced by G.
Protein change: p.Thr1712Ala; replaces threonine 1712 with alanine.
Molecular consequence: missense variant.
Genome position (GRCh38, 1-based): chr2:165,388,940, A>G. VCF-style: chr2-165388940-A-G. GRCh37 (hg19) VCF-style: chr2-166245450-A-G.
Other names: c.5134A>G, p.Thr1712Ala (NM_001040143.2, NM_001371246.1, NM_001371247.1 and 1 more transcripts); short protein forms T1712A.
Identifiers: ClinVar variation 4885270 (VCV004885270.2).

ClinVar aggregate classification (germline): Uncertain significance (1 of 4 stars; one submission).

Submission:

Dasa
Classification: Uncertain significance. Last evaluated: 2024-11-29. Review status: criteria provided, single submitter. Criteria: DASA Assertion Criteria. Collection method: clinical testing. Allele origin: germline.
Comment: NM_001040142.2(SCN2A):c.5134A>G (p.Thr1712Ala) is a missense variant that results in the substitution of threonine with alanine. This variant is absent from population databases. Computational prediction algorithms are consistent with a deleterious effect. The currently available literature and clinical evidence are not sufficient to establish a definitive association between this variant and the reported condition. Therefore, this variant is classified as a variant of uncertain significance.